The following is an entry in ClinVar:

ClinVar aggregate classification (germline): Benign. Review status: criteria provided, multiple submitters, no conflicts (2 of 4 stars). 2 submissions from 2 submitters: Benign (2). Last evaluated 2018-06-18.

Allele frequency attached by ClinVar (database versions not stated): gnomAD 0.06129 and 0.06742; TOPMed 0.06607; gnomAD exomes 0.09193; 1000 Genomes Project 30x 0.12071; 1000 Genomes Project 0.12400; ExAC 0.25000.
gnomAD v4.1: 84,317 of 1,292,970 alleles (6.5%); highest among the groups gnomAD compares: East Asian, 21%; 3,772 homozygotes.

Submissions (2):

GeneDx
Classification: Benign. Last evaluated: 2018-06-18. Review status: criteria provided, single submitter. Criteria: GeneDx Variant Classification (06012015). Collection method: clinical testing. Allele origin: germline. Affected: yes.
Comment: This variant is considered likely benign or benign based on one or more of the following criteria: it is a conservative change, it occurs at a poorly conserved position in the protein, it is predicted to be benign by multiple in silico algorithms, and/or has population frequency not consistent with disease.

Breakthrough Genomics
Classification: Benign. Review status: criteria provided, single submitter. Criteria: ACMG Guidelines, 2015. Collection method: not provided. Allele origin: germline. Inheritance: Unknown mechanism. Affected: yes.

NM_004474.4(FOXD2):c.193G>A (p.Ala65Thr)

Gene: FOXD2 (forkhead box D2; plus strand). Cytogenetic location: 1p33.
Variant type: single nucleotide variant.
Coding change: c.193G>A on transcript NM_004474.4 (MANE Select); coding-DNA position 193, G replaced by A.
Protein change: p.Ala65Thr; replaces alanine 65 with threonine.
Molecular consequence: missense variant.
Genome position (GRCh38, 1-based): chr1:47,438,328, G>A. VCF-style: chr1-47438328-G-A. GRCh37 (hg19) VCF-style: chr1-47904000-G-A.
Other names: short protein forms A65T.
Identifiers: ClinVar variation 667745 (VCV000667745.2), dbSNP rs78469326, ClinGen allele CA843039.